The following is an entry in ClinVar:

NM_001457.4(FLNB):c.5411G>C (p.Gly1804Ala)

Gene: FLNB (filamin B; plus strand). Cytogenetic location: 3p14.3.
Variant type: single nucleotide variant.
Coding change: c.5411G>C on transcript NM_001457.4 (MANE Select); coding-DNA position 5411, G replaced by C.
Protein change: p.Gly1804Ala; replaces glycine 1804 with alanine.
Molecular consequence: missense variant.
Genome position (GRCh38, 1-based): chr3:58,143,599, G>C. VCF-style: chr3-58143599-G-C. GRCh37 (hg19) VCF-style: chr3-58129326-G-C.
Other names: c.5504G>C, p.Gly1835Ala (NM_001164317.2); c.5378G>C, p.Gly1793Ala (NM_001164318.2); c.5339G>C, p.Gly1780Ala (NM_001164319.2); short protein forms G1780A, G1793A, G1804A, G1835A.
Identifiers: ClinVar variation 4801722 (VCV004801722.1).

ClinVar aggregate classification (germline): Uncertain significance (1 of 4 stars; one submission).

Submission:

Labcorp Genetics (formerly Invitae), Labcorp
Classification: Uncertain significance. Last evaluated: 2025-12-24. Review status: criteria provided, single submitter. Criteria: Invitae Variant Classification Sherloc (09022015). Collection method: clinical testing. Allele origin: germline.
Comment: This sequence change replaces glycine, which is neutral and non-polar, with alanine, which is neutral and non-polar, at codon 1804 of the FLNB protein (p.Gly1804Ala). The frequency data for this variant in the population databases is considered unreliable, as metrics indicate poor data quality at this position in the gnomAD database. This variant has not been reported in the literature in individuals affected with FLNB-related conditions. Invitae Evidence Modeling of protein sequence and biophysical properties (such as structural, functional, and spatial information, amino acid conservation, physicochemical variation, residue mobility, and thermodynamic stability) indicates that this missense variant is not expected to disrupt FLNB protein function with a negative predictive value of 95%. In summary, the available evidence is currently insufficient to determine the role of this variant in disease. Therefore, it has been classified as a Variant of Uncertain Significance.